The following is an entry in ClinVar:

ClinVar aggregate classification (germline): Uncertain significance (1 of 4 stars; one submission).

Conditions:
MHC class I deficiency. Identifiers: Orphanet 34592, MedGen C6024714, MONDO:0011476.

Allele frequency attached by ClinVar (database versions not stated): gnomAD exomes 0.00001.
gnomAD v4.1: 9 of 1,613,008 alleles (0.00056%); highest among the groups gnomAD compares: Non-Finnish European, 0.00076%; no homozygotes.

Submission:

Labcorp Genetics (formerly Invitae), Labcorp
Classification: Uncertain significance for MHC class I deficiency 1. Last evaluated: 2024-10-15. Review status: criteria provided, single submitter. Criteria: Invitae Variant Classification Sherloc (09022015). Collection method: clinical testing. Allele origin: germline.
Comment: This sequence change replaces alanine, which is neutral and non-polar, with aspartic acid, which is acidic and polar, at codon 297 of the TAP1 protein (p.Ala297Asp). This variant is not present in population databases (gnomAD no frequency). This variant has not been reported in the literature in individuals affected with TAP1-related conditions. ClinVar contains an entry for this variant (Variation ID: 1396852). An algorithm developed to predict the effect of missense changes on protein structure and function (PolyPhen-2) suggests that this variant is likely to be disruptive. In summary, the available evidence is currently insufficient to determine the role of this variant in disease. Therefore, it has been classified as a Variant of Uncertain Significance.

NM_000593.6(TAP1):c.710C>A (p.Ala237Asp)

Gene: TAP1 (transporter 1, ATP binding cassette subfamily B member; minus strand). Cytogenetic location: 6p21.32.
Variant type: single nucleotide variant.
Coding change: c.710C>A on transcript NM_000593.6 (MANE Select); coding-DNA position 710, C replaced by A.
Protein change: p.Ala237Asp; replaces alanine 237 with aspartic acid.
Molecular consequence: missense variant.
Genome position (GRCh38, 1-based): chr6:32,852,391, G>T on the plus strand (C>A on the coding strand, the complement: TAP1 is on the minus strand). VCF-style: chr6-32852391-G-T. GRCh37 (hg19) VCF-style: chr6-32820168-G-T.
Other names: c.107C>A, p.Ala36Asp (NM_001292022.2); short protein forms A237D, A36D.
Identifiers: ClinVar variation 1396852 (VCV001396852.6), dbSNP rs2127392692, ClinGen allele CA363581097.